The following is an entry in ClinVar:

NM_007294.4(BRCA1):c.3392A>G (p.Asp1131Gly)

Genes: BRCA1 (BRCA1 DNA repair associated; minus strand), LOC126862571 (BRD4-independent group 4 enhancer GRCh37_chr17:41243136-41244335; plus strand). Cytogenetic location: 17q21.31.
Variant type: single nucleotide variant.
Coding change: c.3392A>G on transcript NM_007294.4 (MANE Select); coding-DNA position 3392, A replaced by G.
Protein change: p.Asp1131Gly; replaces aspartic acid 1131 with glycine.
Molecular consequence: missense variant. On other transcripts: intron variant (135).
Genome position (GRCh38, 1-based): chr17:43,092,139, T>C on the plus strand (A>G on the coding strand, the complement: BRCA1 is on the minus strand). VCF-style: chr17-43092139-T-C. GRCh37 (hg19) VCF-style: chr17-41244156-T-C.
Other names: c.3179A>G, p.Asp1060Gly (NM_001407571.1, NM_001407853.1, NM_001407894.1 and 9 more transcripts); c.3392A>G, p.Asp1131Gly (NM_001407581.1, NM_001407582.1, NM_001407583.1 and 30 more transcripts); c.3389A>G, p.Asp1130Gly (NM_001407587.1, NM_001407590.1, NM_001407591.1 and 22 more transcripts); c.3383A>G, p.Asp1128Gly (NM_001407646.1, NM_001407647.1); c.3269A>G, p.Asp1090Gly (NM_001407648.1, NM_001407664.1, NM_001407665.1 and 19 more transcripts); c.3266A>G, p.Asp1089Gly (NM_001407649.1, NM_001407670.1, NM_001407671.1 and 11 more transcripts); c.3314A>G, p.Asp1105Gly (NM_001407653.1, NM_001407654.1, NM_001407655.1 and 4 more transcripts); c.3311A>G, p.Asp1104Gly (NM_001407659.1, NM_001407660.1, NM_001407661.1 and 1 more transcripts); and 41 more; short protein forms D1131G, D1084G, D1061G, D1089G, D1004G, D1020G, D1083G, D1128G.
Identifiers: ClinVar variation 462608 (VCV000462608.16), dbSNP rs1555587813, ClinGen allele CA10595193.

ClinVar aggregate classification (germline): Conflicting classifications of pathogenicity. Review status: criteria provided, conflicting classifications (1 of 4 stars). 6 submissions from 6 submitters: Uncertain significance (5); Likely benign (1). Last evaluated 2024-11-13.

Conditions:
Hereditary breast ovarian cancer syndrome. Also called: Hereditary breast and ovarian cancer syndrome (HBOC); BRCA1- and BRCA2-Associated Hereditary Breast and Ovarian Cancer; Hereditary breast and/or ovarian cancer syndrome; Hereditary breast and ovarian cancer syndrome; Hereditary breast and ovarian cancer; Breast and ovarian cancer. Identifiers: Orphanet 145, MedGen C0677776, MeSH D061325, MONDO:0003582. Disease mechanism: loss of function.
Hereditary cancer-predisposing syndrome. Also called: Neoplastic Syndromes, Hereditary; Hereditary neoplastic syndrome; Tumor predisposition; Hereditary Cancer Syndrome. Identifiers: Orphanet 140162, MedGen C0027672, MeSH D009386, MONDO:0015356.
Breast-ovarian cancer, familial, susceptibility to, 1 (BROVCA1). Also called: BRCA1 Hereditary Breast and Ovarian Cancer; OVARIAN CANCER, SUSCEPTIBILITY TO. Identifiers: Orphanet 145, MedGen C2676676, MONDO:0011450, OMIM 604370. Disease mechanism: loss of function.

Submissions (6):

Color Diagnostics, LLC DBA Color Health
Classification: Uncertain significance for Hereditary cancer-predisposing syndrome. Last evaluated: 2024-11-13. Review status: criteria provided, single submitter. Criteria: ACMG Guidelines, 2015. Collection method: clinical testing. Allele origin: germline.
Comment: This missense variant replaces aspartic acid with glycine at codon 1131 of the BRCA1 protein. Computational prediction is inconclusive regarding the impact of this variant on protein structure and function. Splice site prediction tools suggest that this variant may impact RNA splicing (PMID: 30661751, 35449021). To our knowledge, functional studies have not been reported for this variant. This variant has been reported in an individual affected with breast cancer (PMID: 32393398, 37277882). This variant has not been identified in the general population by the Genome Aggregation Database (gnomAD). The available evidence is insufficient to determine the role of this variant in disease conclusively. Therefore, this variant is classified as a Variant of Uncertain Significance.

Ambry Genetics
Classification: Uncertain significance for Hereditary cancer-predisposing syndrome. Last evaluated: 2024-02-28. Review status: criteria provided, single submitter. Criteria: Ambry Variant Classification Scheme 2023. Collection method: clinical testing. Allele origin: germline.
Comment: The p.D1131G variant (also known as c.3392A>G), located in coding exon 9 of the BRCA1 gene, results from an A to G substitution at nucleotide position 3392. The aspartic acid at codon 1131 is replaced by glycine, an amino acid with similar properties. This alteration was identified in an individual diagnosed with breast cancer (Gunawardena K et al. BMC Res Notes, 2023 Jun;16:95). This amino acid position is not well conserved in available vertebrate species. In addition, the in silico prediction for this alteration is inconclusive. Based on the available evidence, the clinical significance of this alteration remains unclear.

University of Washington Department of Laboratory Medicine, University of Washington
Classification: Likely benign for Hereditary cancer-predisposing syndrome. Last evaluated: 2023-03-23. Review status: criteria provided, single submitter. Criteria: Dines et al. (Genet Med. 2020). Collection method: curation. Allele origin: germline.
Comment: Missense variant in a coldspot region where missense variants are very unlikely to be pathogenic (PMID:31911673).

BRCA1 coldspot (exon 11 using historical exon numbering). Reclassification based on statistical prior probability

Women's Health and Genetics/Laboratory Corporation of America, LabCorp
Classification: Uncertain significance. Last evaluated: 2022-11-28. Review status: criteria provided, single submitter. Criteria: LabCorp Variant Classification Summary - May 2015. Collection method: clinical testing. Allele origin: germline.
Comment: Variant summary: BRCA1 c.3392A>G (p.Asp1131Gly) results in a non-conservative amino acid change in the encoded protein sequence. Three of five in-silico tools predict a damaging effect of the variant on protein function. The variant allele was found at a frequency of 3.7e-06 in 273492 control chromosomes. The available data on variant occurrences in the general population are insufficient to allow any conclusion about variant significance. c.3392A>G has been reported in the literature in at least one individual affected with Hereditary Breast And Ovarian Cancer Syndrome without strong evidence for causality (e.g. Sirisena_2020). These data do not allow any conclusion about variant significance. To our knowledge, no experimental evidence demonstrating an impact on protein function has been reported. One clinical diagnostic laboratory has submitted clinical-significance assessments for this variant to ClinVar after 2014 without evidence for independent evaluation and classified the variant as uncertain significance. Based on the evidence outlined above, the variant was classified as uncertain significance.

Labcorp Genetics (formerly Invitae), Labcorp
Classification: Uncertain significance for Hereditary breast ovarian cancer syndrome. Last evaluated: 2022-02-20. Review status: criteria provided, single submitter. Criteria: Invitae Variant Classification Sherloc (09022015). Collection method: clinical testing. Allele origin: germline.
Comment: Advanced modeling of protein sequence and biophysical properties (such as structural, functional, and spatial information, amino acid conservation, physicochemical variation, residue mobility, and thermodynamic stability) performed at Invitae indicates that this missense variant is not expected to disrupt BRCA1 protein function. In summary, the available evidence is currently insufficient to determine the role of this variant in disease. Therefore, it has been classified as a Variant of Uncertain Significance. Algorithms developed to predict the effect of sequence changes on RNA splicing suggest that this variant may create or strengthen a splice site. ClinVar contains an entry for this variant (Variation ID: 462608). This missense change has been observed in individual(s) with breast cancer (PMID: 32393398). This variant is not present in population databases (gnomAD no frequency). This sequence change replaces aspartic acid, which is acidic and polar, with glycine, which is neutral and non-polar, at codon 1131 of the BRCA1 protein (p.Asp1131Gly).

Molecular Endocrinology Laboratory, Christian Medical College
Classification: Uncertain significance for Breast-ovarian cancer, familial, susceptibility to, 1. Review status: criteria provided, single submitter. Criteria: ACMG Guidelines, 2015. Collection method: clinical testing. Allele origin: germline. Affected: yes.

Literature cited by the submitters: PubMed 30661751 (cited by Color Diagnostics, LLC DBA Color Health); PubMed 32393398 (cited by 3 submitters); PubMed 35449021 (cited by Color Diagnostics, LLC DBA Color Health); PubMed 37277882 (cited by Color Diagnostics, LLC DBA Color Health and Ambry Genetics); PubMed 32467295 (cited by Women's Health and Genetics/Laboratory Corporation of America, LabCorp); PubMed 36385762 (cited by Women's Health and Genetics/Laboratory Corporation of America, LabCorp).